The following is an entry in ClinVar:

ClinVar aggregate classification (germline): Pathogenic/Likely pathogenic. Review status: criteria provided, multiple submitters, no conflicts (2 of 4 stars). 3 submissions from 3 submitters: Pathogenic (1); Likely pathogenic (2). Last evaluated 2025-10-29.

Conditions:
Polycystic kidney disease 4 (PKD4). Also called: POLYCYSTIC KIDNEY DISEASE 4 WITH OR WITHOUT POLYCYSTIC LIVER DISEASE; PKD3; POLYCYSTIC KIDNEY AND HEPATIC DISEASE 1; POLYCYSTIC KIDNEY DISEASE, INFANTILE, TYPE I; Autosomal Recessive Polycystic Kidney Disease – PKHD1. Identifiers: MedGen C4540575, MONDO:0033004, OMIM 263200.
Autosomal recessive polycystic kidney disease (ARPKD). Also called: AR polycystic kidney disease. Identifiers: Orphanet 731, Orphanet 8378, MedGen C0085548, MeSH D017044, MONDO:0009889.

Submissions (3):

Natera, Inc.
Classification: Likely pathogenic for Autosomal recessive polycystic kidney disease. Last evaluated: 2025-10-29. Review status: criteria provided, single submitter. Criteria: Natera Variant Classification Schema (03/2026). Collection method: clinical testing. Allele origin: germline.
Comment: The c.1284G>A variant in PKHD1 is a nonsense variant predicted to introduce a stop codon at amino acid 428. This variant is expected to result in nonsense mediated decay, truncation, or a dysfunctional protein product. This variant is rare in the general population with a frequency below the threshold expected for the associated phenotype(s). Given the available evidence, this variant is classified as Likely Pathogenic.

Baylor Genetics
Classification: Likely pathogenic for Polycystic kidney disease 4. Last evaluated: 2024-03-22. Review status: criteria provided, single submitter. Criteria: ACMG Guidelines, 2015. Collection method: clinical testing. Allele origin: unknown.

MVZ Medizinische Genetik Mainz
Classification: Pathogenic for Polycystic kidney disease 4. Last evaluated: 2024-02-28. Review status: criteria provided, single submitter. Criteria: UK Practice Guidelines For Variant Classification V4 01 2020. Collection method: clinical testing. Allele origin: germline. Inheritance: Autosomal recessive inheritance. Affected: yes. Observed: 1 variant allele.
Comment: PVS1,PM2_SUP,PP4

NM_138694.4(PKHD1):c.1284G>A (p.Trp428Ter)

Gene: PKHD1 (PKHD1 ciliary IPT domain containing fibrocystin/polyductin; minus strand). Cytogenetic location: 6p12.2.
Variant type: single nucleotide variant.
Coding change: c.1284G>A on transcript NM_138694.4 (MANE Select); coding-DNA position 1284, G replaced by A.
Protein change: p.Trp428Ter; replaces tryptophan 428 with a stop codon.
Molecular consequence: nonsense.
Genome position (GRCh38, 1-based): chr6:52,058,551, C>T on the plus strand (G>A on the coding strand, the complement: PKHD1 is on the minus strand). VCF-style: chr6-52058551-C-T. GRCh37 (hg19) VCF-style: chr6-51923349-C-T.
Other names: c.1284G>A, p.Trp428Ter (NM_170724.3); c.1284G>A (NM_138694.3); short protein forms W428*.
Identifiers: ClinVar variation 3061858 (VCV003061858.3), dbSNP rs2533373615, ClinGen allele CA364427136.